The following is an entry in ClinVar:

ClinVar aggregate classification (germline): Uncertain significance (1 of 4 stars; one submission).

Allele frequency attached by ClinVar (database versions not stated): gnomAD exomes below 0.00001 and 0.00001; ExAC 0.00001; gnomAD 0.00001; TOPMed 0.00003.
gnomAD v4.1: 14 of 1,613,902 alleles (0.00087%); highest among the groups gnomAD compares: Middle Eastern, 0.016%; no homozygotes.

Submission:

Labcorp Genetics (formerly Invitae), Labcorp
Classification: Uncertain significance. Last evaluated: 2023-05-25. Review status: criteria provided, single submitter. Criteria: Invitae Variant Classification Sherloc (09022015). Collection method: clinical testing. Allele origin: germline.
Comment: In summary, the available evidence is currently insufficient to determine the role of this variant in disease. Therefore, it has been classified as a Variant of Uncertain Significance. An algorithm developed to predict the effect of missense changes on protein structure and function (PolyPhen-2) suggests that this variant¬†is likely to be tolerated. ClinVar contains an entry for this variant (Variation ID: 1381126). This variant has not been reported in the literature in individuals affected with ADAMTS10-related conditions. This variant is present in population databases (rs782305474, gnomAD 0.002%). This sequence change replaces proline, which is neutral and non-polar, with leucine, which is neutral and non-polar, at codon 171 of the ADAMTS10 protein (p.Pro171Leu).

NM_030957.4(ADAMTS10):c.512C>T (p.Pro171Leu)

Gene: ADAMTS10 (ADAM metallopeptidase with thrombospondin type 1 motif 10; minus strand). Cytogenetic location: 19p13.2.
Variant type: single nucleotide variant.
Coding change: c.512C>T on transcript NM_030957.4 (MANE Select); coding-DNA position 512, C replaced by T.
Protein change: p.Pro171Leu; replaces proline 171 with leucine.
Molecular consequence: missense variant.
Genome position (GRCh38, 1-based): chr19:8,603,808, G>A on the plus strand (C>T on the coding strand, the complement: ADAMTS10 is on the minus strand). VCF-style: chr19-8603808-G-A. GRCh37 (hg19) VCF-style: chr19-8668692-G-A.
Other names: short protein forms P171L.
Identifiers: ClinVar variation 1381126 (VCV001381126.6), dbSNP rs782305474, ClinGen allele CA9160811.
Genomic context (GRCh38, chr19:8,603,808, plus strand): 5'-TCCAGGTGGGGGTGACGCAGAGAGGAACGCTTGTACACCACATGTGGTCCACTTTCCTCC[G>A]GGCTCCGAGAACCCTTGGGCCCACCGTGCAGGGGCTCAATCAGGTACTCTTCCTCGTCTG-3'
Protein context (NP_112219.3, residues 161-181): LHGGPKGSRS[Pro171Leu]EESGPHVVYK